The following is an entry in ClinVar:

NM_006494.4(ERF):c.889T>G (p.Ser297Ala)

Gene: ERF (ETS2 repressor factor; minus strand). Cytogenetic location: 19q13.2.
Variant type: single nucleotide variant.
Coding change: c.889T>G on transcript NM_006494.4 (MANE Select); coding-DNA position 889, T replaced by G.
Protein change: p.Ser297Ala; replaces serine 297 with alanine.
Molecular consequence: missense variant.
Genome position (GRCh38, 1-based): chr19:42,249,223, A>C on the plus strand (T>G on the coding strand, the complement: ERF is on the minus strand). VCF-style: chr19-42249223-A-C. GRCh37 (hg19) VCF-style: chr19-42753375-A-C.
Other names: c.664T>G, p.Ser222Ala (NM_001301035.2, NM_001308402.2, NM_001312656.2 and 1 more transcripts); c.82T>G, p.Ser28Ala (NM_001440421.1); short protein forms S222A, S28A, S297A.
Identifiers: ClinVar variation 4747482 (VCV004747482.1).

ClinVar aggregate classification (germline): Uncertain significance (1 of 4 stars; one submission).

Conditions:
TWIST1-related craniosynostosis (CRS1). Also called: CRANIOSYNOSTOSIS 1. Identifiers: Orphanet 63440, MedGen C4551902, MONDO:0007399, OMIM 123100. Inheritance: Heterogenous inheritance pattern.

Submission:

Labcorp Genetics (formerly Invitae), Labcorp
Classification: Uncertain significance for TWIST1-related craniosynostosis. Last evaluated: 2025-11-12. Review status: criteria provided, single submitter. Criteria: Invitae Variant Classification Sherloc (09022015). Collection method: clinical testing. Allele origin: germline.
Comment: This sequence change replaces serine, which is neutral and polar, with alanine, which is neutral and non-polar, at codon 297 of the ERF protein (p.Ser297Ala). This variant is not present in population databases (gnomAD no frequency). This variant has not been reported in the literature in individuals affected with ERF-related conditions. Invitae Evidence Modeling of protein sequence and biophysical properties (such as structural, functional, and spatial information, amino acid conservation, physicochemical variation, residue mobility, and thermodynamic stability) indicates that this missense variant is not expected to disrupt ERF protein function with a negative predictive value of 95%. In summary, the available evidence is currently insufficient to determine the role of this variant in disease. Therefore, it has been classified as a Variant of Uncertain Significance.